The following is an entry in ClinVar:

NM_018942.3(HMX1):c.295C>T (p.Pro99Ser)

Gene: HMX1 (H6 family homeobox 1; minus strand). Cytogenetic location: 4p16.1.
Variant type: single nucleotide variant.
Coding change: c.295C>T on transcript NM_018942.3 (MANE Select); coding-DNA position 295, C replaced by T.
Protein change: p.Pro99Ser; replaces proline 99 with serine.
Molecular consequence: missense variant.
Genome position (GRCh38, 1-based): chr4:8,871,320, G>A on the plus strand (C>T on the coding strand, the complement: HMX1 is on the minus strand). VCF-style: chr4-8871320-G-A. GRCh37 (hg19) VCF-style: chr4-8873046-G-A.
Other names: c.295C>T, p.Pro99Ser (NM_001306142.2); short protein forms P99S.
Identifiers: ClinVar variation 1920516 (VCV001920516.5), dbSNP rs1395122003, ClinGen allele CA356278922.
Genomic context (GRCh38, chr4:8,871,320, plus strand): 5'-GTGGGTACCAGCGCGCTGCGCCTCCGCAGCCCAGAGCGAAGGGCGGCCCGGGACCGGGGG[G>A]CGGCCGAGGACCGAGGCCCAGCGCGCCCGGCCCGAGCAGCGCACGGGCCCGCGCCTCCCC-3'
Protein context (NP_061815.2, residues 89-109): PGALGLGPRP[Pro99Ser]PGPGPPFALG

ClinVar aggregate classification (germline): Uncertain significance (1 of 4 stars; one submission).

Allele frequency attached by ClinVar (database versions not stated): TOPMed below 0.00001.
gnomAD v4.1: 7 of 1,376,618 alleles (0.00051%); highest among the groups gnomAD compares: African/African-American, 0.0031%; no homozygotes.

Submission:

Labcorp Genetics (formerly Invitae), Labcorp
Classification: Uncertain significance. Last evaluated: 2022-03-11. Review status: criteria provided, single submitter. Criteria: Invitae Variant Classification Sherloc (09022015). Collection method: clinical testing. Allele origin: germline.
Comment: In summary, the available evidence is currently insufficient to determine the role of this variant in disease. Therefore, it has been classified as a Variant of Uncertain Significance. Algorithms developed to predict the effect of missense changes on protein structure and function are either unavailable or do not agree on the potential impact of this missense change (SIFT: "Tolerated"; PolyPhen-2: "Not Available"; Align-GVGD: "Class C0"). This variant has not been reported in the literature in individuals affected with HMX1-related conditions. This variant is not present in population databases (gnomAD no frequency). This sequence change replaces proline, which is neutral and non-polar, with serine, which is neutral and polar, at codon 99 of the HMX1 protein (p.Pro99Ser).